The following is an entry in ClinVar:

ClinVar aggregate classification (germline): Uncertain significance (1 of 4 stars; one submission).

Conditions:
Leukocyte adhesion deficiency 3. Also called: INTEGRIN ACTIVATION DEFICIENCY DISEASE; LEUKOCYTE ADHESION DEFICIENCY 1 VARIANT; Leukocyte adhesion deficiency, type III. Identifiers: Orphanet 2968, Orphanet 99844, MedGen C2748536, MONDO:0013016, OMIM 612840.

Allele frequency attached by ClinVar (database versions not stated): gnomAD 0.00001; 1000 Genomes Project 0.00020; 1000 Genomes Project 30x 0.00031.
gnomAD v4.1: 5 of 1,614,156 alleles (0.00031%); highest among the groups gnomAD compares: East Asian, 0.0022%; no homozygotes.

Submission:

Labcorp Genetics (formerly Invitae), Labcorp
Classification: Uncertain significance for Leukocyte adhesion deficiency 3. Last evaluated: 2019-12-18. Review status: criteria provided, single submitter. Criteria: Invitae Variant Classification Sherloc (09022015). Collection method: clinical testing. Allele origin: germline.
Comment: This sequence change replaces glycine with arginine at codon 9 of the FERMT3 protein (p.Gly9Arg). The glycine residue is moderately conserved and there is a moderate physicochemical difference between glycine and arginine. This variant is not present in population databases (ExAC no frequency). This variant has not been reported in the literature in individuals with FERMT3-related conditions. Algorithms developed to predict the effect of missense changes on protein structure and function (SIFT, PolyPhen-2, Align-GVGD) all suggest that this variant is likely to be tolerated, but these predictions have not been confirmed by published functional studies and their clinical significance is uncertain. In summary, the available evidence is currently insufficient to determine the role of this variant in disease. Therefore, it has been classified as a Variant of Uncertain Significance.

NM_031471.6(FERMT3):c.25G>A (p.Gly9Arg)

Gene: FERMT3 (FERM domain containing kindlin 3; plus strand). Cytogenetic location: 11q13.1.
Variant type: single nucleotide variant.
Coding change: c.25G>A on transcript NM_031471.6 (MANE Select); coding-DNA position 25, G replaced by A.
Protein change: p.Gly9Arg; replaces glycine 9 with arginine.
Molecular consequence: missense variant.
Genome position (GRCh38, 1-based): chr11:64,207,389, G>A. VCF-style: chr11-64207389-G-A. GRCh37 (hg19) VCF-style: chr11-63974861-G-A.
Other names: c.25G>A, p.Gly9Arg (NM_001382361.1, NM_001382362.1, NM_001382448.1 and 1 more transcripts); short protein forms G9R.
Identifiers: ClinVar variation 844514 (VCV000844514.10), dbSNP rs200509898, ClinGen allele CA223833879.
Genomic context (GRCh38, chr11:64,207,389, plus strand): 5'-CCTCCTTCCACACTCTCTGTAGCAGCAGCCGCAGCCATGGCGGGGATGAAGACAGCCTCC[G>A]GGGACTACATCGACTCGTCATGGGAGCTGCGGGTGTTTGTGGGAGAGGAGGACCCAGAGG-3'
Protein context (NP_113659.3, residues 1-19): MAGMKTAS[Gly9Arg]DYIDSSWELR